The following is an entry in ClinVar:

ClinVar aggregate classification (germline): Benign. Review status: criteria provided, multiple submitters, no conflicts (2 of 4 stars). 2 submissions from 2 submitters: Benign (2). Last evaluated 2020-02-18.

Allele frequency attached by ClinVar (database versions not stated): 1000 Genomes Project 0.55431; 1000 Genomes Project 30x 0.56293; gnomAD exomes 0.60026 and 0.67655; ExAC 0.60730; TOPMed 0.67254; gnomAD 0.67523 and 0.69133; ESP Exome Variant Server 0.72543.
gnomAD v4.1: 1,090,265 of 1,613,682 alleles (68%); highest among the groups gnomAD compares: African/African-American, 74%; 380,549 homozygotes.

Submissions (2):

GeneDx
Classification: Benign. Last evaluated: 2020-02-18. Review status: criteria provided, single submitter. Criteria: GeneDx Variant Classification Process June 2021. Collection method: clinical testing. Allele origin: germline. Affected: yes.
Comment: This variant is associated with the following publications: (PMID: 22189006)

Breakthrough Genomics
Classification: Benign. Review status: criteria provided, single submitter. Criteria: ACMG Guidelines, 2015. Collection method: not provided. Allele origin: germline. Inheritance: Unknown mechanism. Affected: yes.

NM_002208.5(ITGAE):c.1445G>A (p.Arg482Gln)

Gene: ITGAE (integrin subunit alpha E; minus strand). Cytogenetic location: 17p13.2.
Variant type: single nucleotide variant.
Coding change: c.1445G>A on transcript NM_002208.5 (MANE Select); coding-DNA position 1445, G replaced by A.
Protein change: p.Arg482Gln; replaces arginine 482 with glutamine.
Molecular consequence: missense variant.
Genome position (GRCh38, 1-based): chr17:3,753,865, C>T on the plus strand (G>A on the coding strand, the complement: ITGAE is on the minus strand). VCF-style: chr17-3753865-C-T. GRCh37 (hg19) VCF-style: chr17-3657159-C-T.
Other names: short protein forms R482Q.
Identifiers: ClinVar variation 1277615 (VCV001277615.2), dbSNP rs2272606, ClinGen allele CA8294313.